The following is an entry in ClinVar:

NM_002485.5(NBN):c.281G>A (p.Gly94Glu)

Gene: NBN (nibrin; minus strand). Cytogenetic location: 8q21.3.
Variant type: single nucleotide variant.
Coding change: c.281G>A on transcript NM_002485.5 (MANE Select); coding-DNA position 281, G replaced by A.
Protein change: p.Gly94Glu; replaces glycine 94 with glutamic acid.
Molecular consequence: missense variant.
Genome position (GRCh38, 1-based): chr8:89,981,414, C>T on the plus strand (G>A on the coding strand, the complement: NBN is on the minus strand). VCF-style: chr8-89981414-C-T. GRCh37 (hg19) VCF-style: chr8-90993642-C-T.
Other names: c.35G>A, p.Gly12Glu (NM_001024688.3); short protein forms G12E, G94E.
Identifiers: ClinVar variation 821852 (VCV000821852.4), dbSNP rs1586108566, ClinGen allele CA371662413.
Genomic context (GRCh38, chr8:89,981,414, plus strand): 5'-ATCAATTTTAAAATGTCTTACCTGAATTTACTTCCAAACACTCCAAAAGTAATACCATCC[C>T]CCGACTTCAAAGTTCGGGAAAAGCCATTCTGCATTTTTTCCTCATTAACAAAGGTACCAT-3'
Protein context (NP_002476.2, residues 84-104): QNGFSRTLKS[Gly94Glu]DGITFGVFGS

ClinVar aggregate classification (germline): Uncertain significance (1 of 4 stars; one submission).

Conditions:
Hereditary cancer-predisposing syndrome. Also called: Tumor predisposition; Hereditary Cancer Syndrome; Neoplastic Syndromes, Hereditary; Hereditary neoplastic syndrome. Identifiers: Orphanet 140162, MedGen C0027672, MeSH D009386, MONDO:0015356.

gnomAD v4.1: 1 of 1,614,036 alleles (0.000062%); no homozygotes.

Submission:

Ambry Genetics
Classification: Uncertain significance for Hereditary cancer-predisposing syndrome. Last evaluated: 2018-12-20. Review status: criteria provided, single submitter. Criteria: Ambry Variant Classification Scheme 2023. Collection method: clinical testing. Allele origin: germline.
Comment: The p.G94E variant (also known as c.281G>A), located in coding exon 3 of the NBN gene, results from a G to A substitution at nucleotide position 281. The glycine at codon 94 is replaced by glutamic acid, an amino acid with similar properties. This amino acid position is well conserved in available vertebrate species. In addition, the in silico prediction for this alteration is inconclusive. Since supporting evidence is limited at this time, the clinical significance of this alteration remains unclear.